The following is an entry in ClinVar:

NM_000077.5(CDKN2A):c.458-57T>G

Gene: CDKN2A (cyclin dependent kinase inhibitor 2A; minus strand). Cytogenetic location: 9p21.3.
Variant type: single nucleotide variant.
Coding change: c.458-57T>G on transcript NM_000077.5 (MANE Select); 57 bases into the intron before coding-DNA position 458, T replaced by G.
Molecular consequence: intron variant.
Genome position (GRCh38, 1-based): chr9:21,968,299, A>C on the plus strand (T>G on the coding strand, the complement: CDKN2A is on the minus strand). VCF-style: chr9-21968299-A-C. GRCh37 (hg19) VCF-style: chr9-21968298-A-C.
Other names: c.305-57T>G (NM_001363763.2); c.*102-57T>G (NM_058195.4); c.*151-57T>G (NM_001195132.2); c.*381-57T>G (NM_058197.5).
Identifiers: ClinVar variation 4294125 (VCV004294125.1).

ClinVar aggregate classification (germline): Benign (1 of 4 stars; one submission).

Conditions:
Melanoma-pancreatic cancer syndrome. Identifiers: Orphanet 404560, MedGen C1838547, MONDO:0011713, OMIM 606719. Disease mechanism: loss of function.

Submission:

Myriad Genetics, Inc.
Classification: Benign for Melanoma-pancreatic cancer syndrome. Last evaluated: 2025-08-18. Review status: criteria provided, single submitter. Criteria: Myriad Autosomal Dominant, Autosomal Recessive and X-Linked Classification Criteria (2023). Collection method: clinical testing. Allele origin: unknown.
Comment: This variant is considered benign. This variant is intronic and is not expected to impact mRNA splicing.